The following is an entry in ClinVar:

NM_001378615.1(CC2D2A):c.3856T>C (p.Cys1286Arg)

Genes: CC2D2A (coiled-coil and C2 domain containing 2A; plus strand), FBXL5 (F-box and leucine rich repeat protein 5; minus strand). Cytogenetic location: 4p15.32.
Variant type: single nucleotide variant.
Coding change: c.3856T>C on transcript NM_001378615.1 (MANE Select); coding-DNA position 3856, T replaced by C.
Protein change: p.Cys1286Arg; replaces cysteine 1286 with arginine.
Molecular consequence: missense variant.
Genome position (GRCh38, 1-based): chr4:15,580,052, T>C. VCF-style: chr4-15580052-T-C. GRCh37 (hg19) VCF-style: chr4-15581675-T-C.
Other names: c.3856T>C, p.Cys1286Arg (NM_001080522.2); c.3709T>C, p.Cys1237Arg (NM_001378617.1); short protein forms C1286R, C1237R.
Identifiers: ClinVar variation 941336 (VCV000941336.8), dbSNP rs1347377004, ClinGen allele CA356425986.

ClinVar aggregate classification (germline): Uncertain significance (1 of 4 stars; one submission).

Conditions:
Meckel-Gruber syndrome. Also called: Dysencephalia splachnocystica; DYSENCEPHALIA SPLANCHNOCYSTICA; GRUBER SYNDROME. Identifiers: Orphanet 564, MedGen C0265215, MONDO:0018921.
Joubert syndrome. Also called: Familial aplasia of the vermis; JOUBERT-BOLTSHAUSER SYNDROME. Identifiers: Orphanet 475, MedGen C5979921, MONDO:0018772.

Allele frequency attached by ClinVar (database versions not stated): gnomAD exomes below 0.00001.

Submission:

Labcorp Genetics (formerly Invitae), Labcorp
Classification: Uncertain significance for Joubert syndrome; Meckel-Gruber syndrome. Last evaluated: 2024-12-02. Review status: criteria provided, single submitter. Criteria: Invitae Variant Classification Sherloc (09022015). Collection method: clinical testing. Allele origin: germline.
Comment: This sequence change replaces cysteine, which is neutral and slightly polar, with arginine, which is basic and polar, at codon 1286 of the CC2D2A protein (p.Cys1286Arg). This variant is present in population databases (no rsID available, gnomAD 0.003%). This variant has not been reported in the literature in individuals affected with CC2D2A-related conditions. ClinVar contains an entry for this variant (Variation ID: 941336). Invitae Evidence Modeling of protein sequence and biophysical properties (such as structural, functional, and spatial information, amino acid conservation, physicochemical variation, residue mobility, and thermodynamic stability) indicates that this missense variant is expected to disrupt CC2D2A protein function with a positive predictive value of 80%. In summary, the available evidence is currently insufficient to determine the role of this variant in disease. Therefore, it has been classified as a Variant of Uncertain Significance.